The following is an entry in ClinVar:

NM_001927.4(DES):c.537_554del (p.Glu179_Leu184del)

Gene: DES (desmin; plus strand). Cytogenetic location: 2q35.
Variant type: Deletion.
Coding change: c.537_554del on transcript NM_001927.4 (MANE Select); coding-DNA positions 537 to 554, 18 bases deleted (GCGCGACAACCTGCTCGA).
Protein change: p.Glu179_Leu184del.
Molecular consequence: inframe deletion. On other transcripts: intron variant (1).
Genome position (GRCh38, 1-based): chr2:219,418,999-219,419,016, GCGCGACAACCTGCTCGA deleted; deleting any 18 consecutive bases within chr2:219,418,995-219,419,016 gives the same sequence; the c. name uses the placement nearest the transcript's 3' end. VCF-style (leftmost placement, unchanged base first): chr2-219418994-GTCGAGCGCGACAACCTGC-G. GRCh37 (hg19) VCF-style: chr2-220283716-GTCGAGCGCGACAACCTGC-G.
Other names: c.537_554del, p.Glu179_Leu184del (NM_001382708.1, NM_001382709.1, NM_001382710.1 and 2 more transcripts); c.495+42_495+59del (NM_001382713.1).
Identifiers: ClinVar variation 2028787 (VCV002028787.8), dbSNP rs1214890953, ClinGen allele CA539843108.

ClinVar aggregate classification (germline): Uncertain significance. Review status: criteria provided, multiple submitters, no conflicts (2 of 4 stars). 3 submissions from 3 submitters: Uncertain significance (3). Last evaluated 2025-01-03.

Conditions:
Cardiovascular phenotype. Identifiers: MedGen CN230736.
Desmin-related myofibrillar myopathy (MFM1). Also called: Desminopathy; Desmin related myopathy (former name); Desmin storage myopathy (former name); MYOFIBRILLAR MYOPATHY WITH ARRHYTHMOGENIC RIGHT VENTRICULAR CARDIOMYOPATHY; DESMIN-RELATED MYOPATHY WITH ARRHYTHMOGENIC RIGHT VENTRICULAR CARDIOMYOPATHY; Myofibrillar myopathy 1. Identifiers: Orphanet 363543, Orphanet 98909, MedGen C1832370, MONDO:0011076, OMIM 601419.

Submissions (3):

Ambry Genetics
Classification: Uncertain significance for Cardiovascular phenotype. Last evaluated: 2025-01-03. Review status: criteria provided, single submitter. Criteria: Ambry Variant Classification Scheme 2023. Collection method: clinical testing. Allele origin: germline.
Comment: The c.537_554del18 variant (also known as p.E179_L184del) is located in coding exon 1 of the DES gene. This variant results from an in-frame GCGCGACAACCTGCTCGA deletion at nucleotide positions 537 to 554. This results in the in-frame deletion of six amino acids from codons 179 to 184. This amino acid region is highly conserved in available vertebrate species. In addition, this alteration is predicted to be deleterious by in silico analysis (Choi Y et al. PLoS ONE. 2012; 7(10):e46688). Based on the available evidence, the clinical significance of this variant remains unclear.

Labcorp Genetics (formerly Invitae), Labcorp
Classification: Uncertain significance for Desmin-related myofibrillar myopathy. Last evaluated: 2024-08-06. Review status: criteria provided, single submitter. Criteria: Invitae Variant Classification Sherloc (09022015). Collection method: clinical testing. Allele origin: germline.
Comment: This variant, c.537_554del, results in the deletion of 6 amino acid(s) of the DES protein (p.Glu179_Leu184del), but otherwise preserves the integrity of the reading frame. This variant is present in population databases (no rsID available, gnomAD no frequency). This variant has not been reported in the literature in individuals affected with DES-related conditions. ClinVar contains an entry for this variant (Variation ID: 2028787). Experimental studies and prediction algorithms are not available or were not evaluated, and the functional significance of this variant is currently unknown. In summary, the available evidence is currently insufficient to determine the role of this variant in disease. Therefore, it has been classified as a Variant of Uncertain Significance.

Revvity Omics, Revvity
Classification: Uncertain significance. Last evaluated: 2022-08-30. Review status: criteria provided, single submitter. Criteria: ACMG Guidelines, 2015. Collection method: clinical testing. Allele origin: germline.